The following is an entry in ClinVar:

ClinVar aggregate classification (germline): Uncertain significance. Review status: criteria provided, multiple submitters, no conflicts (2 of 4 stars). 2 submissions from 2 submitters: Uncertain significance (2). Last evaluated 2026-03-11.

Conditions:
Autosomal recessive limb-girdle muscular dystrophy type 2A (LGMDR1). Also called: LEYDEN-MOEBIUS MUSCULAR DYSTROPHY; MUSCULAR DYSTROPHY, PELVOFEMORAL; Limb-girdle muscular dystrophy, type 2A; Calpainopathy; Muscular dystrophy, limb-girdle, type 2A, Amish. Identifiers: Orphanet 267, MedGen C1869123, MONDO:0009675, OMIM 253600. Disease mechanism: loss of function.

Allele frequency attached by ClinVar (database versions not stated): gnomAD 0.00005; TOPMed 0.00005; ExAC 0.00007.
gnomAD v4.1: 63 of 1,613,440 alleles (0.0039%); highest among the groups gnomAD compares: South Asian, 0.02%; 1 homozygote.

Submissions (2):

Women's Health and Genetics/Laboratory Corporation of America, LabCorp
Classification: Uncertain significance. Last evaluated: 2026-03-11. Review status: criteria provided, single submitter. Criteria: LabCorp Variant Classification Summary - May 2015. Collection method: clinical testing. Allele origin: germline.
Comment: Variant summary: CAPN3 c.2184+21G>A is located at a position not widely known to affect splicing. Consensus agreement among computation tools predict no significant impact on normal splicing. However, these predictions have yet to be confirmed by functional studies. The variant allele was found at a frequency of 7.2e-05 in 251406 control chromosomes in the gnomAD database, including 1 homozygotes. This frequency is not significantly higher than estimated for disease-causing variants in CAPN3, allowing no conclusion about variant significance, although the presence of a homozygote suggests a benign role for the variant. c.2184+21G>A has been reported in the literature in an individual affected with Limb-Girdle Muscular Dystrophy, Autosomal Recessive (Feng_2018, Zhong_2021), however without convincing evidence for pathogenicity. These report(s) do not provide unequivocal conclusions about association of the variant with Limb-Girdle Muscular Dystrophy, Autosomal Recessive. To our knowledge, no experimental evidence demonstrating an impact on protein function has been reported. The following publications have been ascertained in the context of this evaluation (PMID: 29797799, 32994280). ClinVar contains an entry for this variant (Variation ID: 1878263). Based on the evidence outlined above, the variant was classified as VUS-possibly benign.

Labcorp Genetics (formerly Invitae), Labcorp
Classification: Uncertain significance for Autosomal recessive limb-girdle muscular dystrophy type 2A. Last evaluated: 2025-06-05. Review status: criteria provided, single submitter. Criteria: Invitae Variant Classification Sherloc (09022015). Collection method: clinical testing. Allele origin: germline.
Comment: This sequence change falls in intron 20 of the CAPN3 gene. It does not directly change the encoded amino acid sequence of the CAPN3 protein. This variant is present in population databases (rs763572829, gnomAD 0.03%), including at least one homozygous and/or hemizygous individual. This variant has been observed in individual(s) with limb-girdle muscular dystrophy (PMID: 29797799). ClinVar contains an entry for this variant (Variation ID: 1878263). Algorithms developed to predict the effect of sequence changes on RNA splicing suggest that this variant is not likely to affect RNA splicing. In summary, the available evidence is currently insufficient to determine the role of this variant in disease. Therefore, it has been classified as a Variant of Uncertain Significance.

Literature cited by the submitters: PubMed 29797799 (cited by Women's Health and Genetics/Laboratory Corporation of America, LabCorp and Labcorp Genetics (formerly Invitae), Labcorp); PubMed 32994280 (cited by Women's Health and Genetics/Laboratory Corporation of America, LabCorp).

NM_000070.3(CAPN3):c.2184+21G>A

Gene: CAPN3 (calpain 3; plus strand). Cytogenetic location: 15q15.1.
Variant type: single nucleotide variant.
Coding change: c.2184+21G>A on transcript NM_000070.3 (MANE Select); 21 bases into the intron after coding-DNA position 2184, G replaced by A.
Molecular consequence: intron variant.
Genome position (GRCh38, 1-based): chr15:42,410,517, G>A. VCF-style: chr15-42410517-G-A. GRCh37 (hg19) VCF-style: chr15-42702715-G-A.
Other names: c.2166+21G>A (NM_024344.2); c.1908+21G>A (NM_173087.2); c.648+21G>A (NM_173088.2); c.189+21G>A (NM_173090.2, NM_173089.2).
Identifiers: ClinVar variation 1878263 (VCV001878263.3), dbSNP rs763572829, ClinGen allele CA7511756.
Genomic context (GRCh38, chr15:42,410,517, plus strand): 5'-GGAGTTCCACCACCTCTGGAACAAGATTAAGGCCTGGCAGGTGGGAAGAGAAAATGAAGC[G>A]TGGGAGTCAAGAATGGGGTTGATTTGGAGATTCAGTGTGTGACCTCCATCCTCAAATTTT-3'